The following is an entry in ClinVar:

ClinVar aggregate classification (germline): Pathogenic. Review status: criteria provided, multiple submitters, no conflicts (2 of 4 stars). 2 submissions from 2 submitters: Pathogenic (2). Last evaluated 2024-02-09.

Conditions:
Beckwith-Wiedemann syndrome (BWS). Also called: Exomphalos macroglossia gigantism syndrome; EMG SYNDROME. Identifiers: Orphanet 116, MedGen C0004903, MONDO:0007534, OMIM 130650.

Submissions (2):

Clinical Genetics Laboratory, Skane University Hospital Lund
Classification: Pathogenic. Last evaluated: 2024-02-09. Review status: criteria provided, single submitter. Criteria: ACMG Guidelines, 2015. Collection method: clinical testing. Allele origin: germline. Affected: yes.

Labcorp Genetics (formerly Invitae), Labcorp
Classification: Pathogenic for Beckwith-Wiedemann syndrome. Last evaluated: 2023-07-06. Review status: criteria provided, single submitter. Criteria: Invitae Variant Classification Sherloc (09022015). Collection method: clinical testing. Allele origin: germline.
Comment: This sequence change creates a premature translational stop signal (p.Ser244*) in the CDKN1C gene. It is expected to result in an absent or disrupted protein product. Loss-of-function variants in CDKN1C are known to be pathogenic (PMID: 20503313). This variant is not present in population databases (gnomAD no frequency). This premature translational stop signal has been observed in individual(s) with Clinical features of Beckwith–Wiedemann syndrome (PMID: 26077438, 34065128). For these reasons, this variant has been classified as Pathogenic.

Literature cited by the submitters: PubMed 20503313 (cited by Labcorp Genetics (formerly Invitae), Labcorp); PubMed 26077438 (cited by Labcorp Genetics (formerly Invitae), Labcorp); PubMed 34065128 (cited by Labcorp Genetics (formerly Invitae), Labcorp).

NM_001122630.2(CDKN1C):c.698C>A (p.Ser233Ter)

Gene: CDKN1C (cyclin dependent kinase inhibitor 1C; minus strand). Cytogenetic location: 11p15.4.
Variant type: single nucleotide variant.
Coding change: c.698C>A on transcript NM_001122630.2 (MANE Select); coding-DNA position 698, C replaced by A.
Protein change: p.Ser233Ter; replaces serine 233 with a stop codon.
Molecular consequence: nonsense. On other transcripts: intron variant (1).
Genome position (GRCh38, 1-based): chr11:2,884,759, G>T on the plus strand (C>A on the coding strand, the complement: CDKN1C is on the minus strand). VCF-style: chr11-2884759-G-T. GRCh37 (hg19) VCF-style: chr11-2905989-G-T.
Other names: c.731C>A, p.Ser244Ter (NM_000076.2, NM_001362474.2, LRG_533t1); c.698C>A, p.Ser233Ter (NM_001122631.2); c.255+443C>A (NM_001362475.2); short protein forms S244*, S233*.
Identifiers: ClinVar variation 132866 (VCV000132866.4), dbSNP rs483352993, ClinGen allele CA216367178.